The following is an entry in ClinVar:

NM_014319.5(LEMD3):c.2572+3A>G

Gene: LEMD3 (LEM domain containing 3; plus strand). Cytogenetic location: 12q14.3.
Variant type: single nucleotide variant.
Coding change: c.2572+3A>G on transcript NM_014319.5 (MANE Select); 3 bases into the intron after coding-DNA position 2572, A replaced by G.
Molecular consequence: intron variant.
Genome position (GRCh38, 1-based): chr12:65,245,942, A>G. VCF-style: chr12-65245942-A-G. GRCh37 (hg19) VCF-style: chr12-65639722-A-G.
Other names: c.2569+3A>G (NM_001167614.2).
Identifiers: ClinVar variation 3678686 (VCV003678686.2).

ClinVar aggregate classification (germline): Uncertain significance (1 of 4 stars; one submission).

gnomAD v4.1: 22 of 1,601,274 alleles (0.0014%); highest among the groups gnomAD compares: Non-Finnish European, 0.0019%; no homozygotes.

Submission:

Labcorp Genetics (formerly Invitae), Labcorp
Classification: Uncertain significance. Last evaluated: 2024-09-11. Review status: criteria provided, single submitter. Criteria: Invitae Variant Classification Sherloc (09022015). Collection method: clinical testing. Allele origin: germline.
Comment: This sequence change falls in intron 12 of the LEMD3 gene. It does not directly change the encoded amino acid sequence of the LEMD3 protein. It affects a nucleotide within the consensus splice site. This variant is not present in population databases (gnomAD no frequency). This variant has not been reported in the literature in individuals affected with LEMD3-related conditions. Variants that disrupt the consensus splice site are a relatively common cause of aberrant splicing (PMID: 17576681, 9536098). Algorithms developed to predict the effect of sequence changes on RNA splicing suggest that this variant is not likely to affect RNA splicing. In summary, the available evidence is currently insufficient to determine the role of this variant in disease. Therefore, it has been classified as a Variant of Uncertain Significance.

Literature cited by the submitters: PubMed 17576681; PubMed 9536098.